The following is an entry in ClinVar:

ClinVar aggregate classification (germline): Uncertain significance (1 of 4 stars; one submission).

Conditions:
Cardiovascular phenotype. Identifiers: MedGen CN230736.

gnomAD v4.1: 3 of 1,614,206 alleles (0.00019%); no homozygotes.

Submission:

Ambry Genetics
Classification: Uncertain significance for Cardiovascular phenotype. Last evaluated: 2021-10-29. Review status: criteria provided, single submitter. Criteria: Ambry Variant Classification Scheme 2023. Collection method: clinical testing. Allele origin: germline.
Comment: The p.V654M variant (also known as c.1960G>A), located in coding exon 14 of the ABCA1 gene, results from a G to A substitution at nucleotide position 1960. The valine at codon 654 is replaced by methionine, an amino acid with highly similar properties. This amino acid position is conserved. In addition, this alteration is predicted to be tolerated by in silico analysis. Since supporting evidence is limited at this time, the clinical significance of this alteration remains unclear.

NM_005502.4(ABCA1):c.1960G>A (p.Val654Met)

Gene: ABCA1 (ATP binding cassette subfamily A member 1; minus strand). Cytogenetic location: 9q31.1.
Variant type: single nucleotide variant.
Coding change: c.1960G>A on transcript NM_005502.4 (MANE Select); coding-DNA position 1960, G replaced by A.
Protein change: p.Val654Met; replaces valine 654 with methionine.
Molecular consequence: missense variant.
Genome position (GRCh38, 1-based): chr9:104,829,071, C>T on the plus strand (G>A on the coding strand, the complement: ABCA1 is on the minus strand). VCF-style: chr9-104829071-C-T. GRCh37 (hg19) VCF-style: chr9-107591352-C-T.
Other names: short protein forms V654M.
Identifiers: ClinVar variation 1783431 (VCV001783431.2), dbSNP rs2538170335, ClinGen allele CA374322341.